The following is an entry in ClinVar:

NM_001111.5(ADAR):c.3011T>G (p.Val1004Gly)

Gene: ADAR (adenosine deaminase RNA specific; minus strand). Cytogenetic location: 1q21.3.
Variant type: single nucleotide variant.
Coding change: c.3011T>G on transcript NM_001111.5 (MANE Select); coding-DNA position 3011, T replaced by G.
Protein change: p.Val1004Gly; replaces valine 1004 with glycine.
Molecular consequence: missense variant.
Genome position (GRCh38, 1-based): chr1:154,588,133, A>C on the plus strand (T>G on the coding strand, the complement: ADAR is on the minus strand). VCF-style: chr1-154588133-A-C. GRCh37 (hg19) VCF-style: chr1-154560609-A-C.
Other names: c.2126T>G, p.Val709Gly (NM_001025107.3, NM_001193495.2, NM_001365046.1 and 2 more transcripts); c.3038T>G, p.Val1013Gly (NM_001365045.1); c.2048T>G, p.Val683Gly (NM_001365049.1); c.2933T>G, p.Val978Gly (NM_015840.4); c.2876T>G, p.Val959Gly (NM_015841.4); short protein forms V1004G, V1013G, V683G, V709G, V959G, V978G.
Identifiers: ClinVar variation 3368138 (VCV003368138.1).

ClinVar aggregate classification (germline): Uncertain significance (1 of 4 stars; one submission).

Submission:

GeneDx
Classification: Uncertain significance. Last evaluated: 2024-01-21. Review status: criteria provided, single submitter. Criteria: GeneDx Variant Classification Process June 2021. Collection method: clinical testing. Allele origin: germline. Affected: yes.
Comment: Not observed at significant frequency in large population cohorts (gnomAD); In silico analysis supports that this missense variant has a deleterious effect on protein structure/function; Has not been previously published as pathogenic or benign to our knowledge